The following is an entry in ClinVar:

NM_001378609.3(OTOGL):c.475C>T (p.Arg159Trp)

Gene: OTOGL (otogelin like; plus strand). Cytogenetic location: 12q21.31.
Variant type: single nucleotide variant.
Coding change: c.475C>T on transcript NM_001378609.3 (MANE Select); coding-DNA position 475, C replaced by T.
Protein change: p.Arg159Trp; replaces arginine 159 with tryptophan.
Molecular consequence: missense variant.
Genome position (GRCh38, 1-based): chr12:80,222,231, C>T. VCF-style: chr12-80222231-C-T. GRCh37 (hg19) VCF-style: chr12-80616011-C-T.
Other names: c.475C>T, p.Arg159Trp (NM_001368062.3, NM_001378610.3, NM_173591.7); short protein forms R150W, R159W.
Identifiers: ClinVar variation 504842 (VCV000504842.21), dbSNP rs191608225, ClinGen allele CA6700169.

ClinVar aggregate classification (germline): Uncertain significance. Review status: criteria provided, multiple submitters, no conflicts (2 of 4 stars). 7 submissions from 7 submitters: Uncertain significance (7). Last evaluated 2026-05-18.

Conditions:
OTOGL-related disorder. Also called: OTOGL-related condition.
Autosomal recessive nonsyndromic hearing loss 84B. Also called: Deafness, autosomal recessive 84b. Identifiers: Orphanet 90636, MedGen C3554159, MONDO:0013984, OMIM 614944.
Inborn genetic diseases. Identifiers: MedGen C0950123, MeSH D030342.

Allele frequency attached by ClinVar (database versions not stated): 1000 Genomes Project 30x 0.00016; 1000 Genomes Project 0.00020; gnomAD 0.00041; TOPMed 0.00053; ESP Exome Variant Server 0.00067; ExAC 0.00069.
gnomAD v4.1: 897 of 1,595,856 alleles (0.056%); highest among the groups gnomAD compares: Admixed American, 0.072%; 2 homozygotes.

Submissions (7):

PreventionGenetics, part of Exact Sciences
Classification: Uncertain significance for OTOGL-related condition. Last evaluated: 2026-05-18. Review status: criteria provided, single submitter. Criteria: ACMG Guidelines, 2015. Collection method: clinical testing. Allele origin: germline.
Comment: The OTOGL c.448C>T variant is predicted to result in the amino acid substitution p.Arg150Trp. To our knowledge, this variant has not been reported in the literature. This variant is reported in 0.092% of alleles in individuals of European (Non-Finnish) descent in gnomAD. Although we suspect that this variant may be benign, at this time, the clinical significance of this variant is uncertain due to the absence of conclusive functional and genetic evidence.

Ambry Genetics
Classification: Uncertain significance for Inborn genetic diseases. Last evaluated: 2025-10-22. Review status: criteria provided, single submitter. Criteria: Ambry Variant Classification Scheme 2023. Collection method: clinical testing. Allele origin: germline.

GeneDx
Classification: Uncertain significance. Last evaluated: 2025-01-15. Review status: criteria provided, single submitter. Criteria: GeneDx Variant Classification Process June 2021. Collection method: clinical testing. Allele origin: germline. Affected: yes.
Comment: In silico analysis supports that this missense variant has a deleterious effect on protein structure/function; Has not been previously published as pathogenic or benign to our knowledge

Labcorp Genetics (formerly Invitae), Labcorp
Classification: Uncertain significance. Last evaluated: 2025-01-06. Review status: criteria provided, single submitter. Criteria: Invitae Variant Classification Sherloc (09022015). Collection method: clinical testing. Allele origin: germline.
Comment: This sequence change replaces arginine, which is basic and polar, with tryptophan, which is neutral and slightly polar, at codon 150 of the OTOGL protein (p.Arg150Trp). This variant is present in population databases (rs191608225, gnomAD 0.09%), and has an allele count higher than expected for a pathogenic variant. This variant has not been reported in the literature in individuals affected with OTOGL-related conditions. ClinVar contains an entry for this variant (Variation ID: 504842). An algorithm developed to predict the effect of missense changes on protein structure and function (PolyPhen-2) suggests that this variant is likely to be disruptive. In summary, the available evidence is currently insufficient to determine the role of this variant in disease. Therefore, it has been classified as a Variant of Uncertain Significance.

Blueprint Genetics
Classification: Uncertain significance. Last evaluated: 2024-10-18. Review status: criteria provided, single submitter. Criteria: ACMG Guidelines, 2015. Collection method: clinical testing. Allele origin: germline.

Knight Diagnostic Laboratories, Oregon Health and Sciences University
Classification: Uncertain significance for Deafness, autosomal recessive 84b. Last evaluated: 2019-07-08. Review status: criteria provided, single submitter. Criteria: ACMG Guidelines, 2015. Collection method: clinical testing. Allele origin: germline. Observed: 1 variant allele.

Laboratory for Molecular Medicine, Mass General Brigham Personalized Medicine
Classification: Uncertain significance. Last evaluated: 2017-06-15. Review status: criteria provided, single submitter. Criteria: LMM Criteria. Collection method: clinical testing. Allele origin: germline. Observed: 1 variant allele.
Comment: The p.Arg150Trp variant in OTOGL has not been previously reported in individuals with hearing loss, but has been identified across several populations by the Ge nome Aggregation Database, including in 0.1% (115/123000) of European chromosome s by the Genome Aggregation Database (gnomAD; dbSNP rs191608225). Although this variant has been seen in the general populati on, its frequency is not high enough to rule out a pathogenic role. Computationa l prediction tools and conservation analyses do not provide strong support for o r against an impact to the protein. In summary, the clinical significance of the p.Arg150Trp variant is uncertain.